The following is an entry in ClinVar:

ClinVar aggregate classification (germline): Pathogenic/Likely pathogenic. Review status: criteria provided, multiple submitters, no conflicts (2 of 4 stars). 6 submissions from 6 submitters: Pathogenic (4); Likely pathogenic (1). 1 of the submissions does not count toward it. Last evaluated 2026-07-23.

Conditions:
Mitochondrial complex IV deficiency, nuclear type 4. Also called: Mitochondrial complex 4 deficiency, nuclear type 4. Identifiers: MedGen C5436683, MONDO:0033636, OMIM 619048.
SCO1-related disorder. Also called: SCO1-related disorders; SCO1-related condition.

Submissions (6):

GeneDx
Classification: Pathogenic. Last evaluated: 2026-07-23. Review status: criteria provided, single submitter. Criteria: GeneDx Variant Classification Process June 2021. Collection method: clinical testing. Allele origin: germline.
Comment: Frameshift variant that results in protein truncation and unstable mRNA in a gene for which loss-of-function is a known mechanism of disease (PMID: 11013136); Not observed at significant frequency in large population cohorts (gnomAD); This variant is associated with the following publications: (PMID: 11013136)

Labcorp Genetics (formerly Invitae), Labcorp
Classification: Pathogenic. Last evaluated: 2025-12-07. Review status: criteria provided, single submitter. Criteria: Invitae Variant Classification Sherloc (09022015). Collection method: clinical testing. Allele origin: germline.
Comment: This sequence change creates a premature translational stop signal (p.Lys122Valfs*28) in the SCO1 gene. It is expected to result in an absent or disrupted protein product. Loss-of-function variants in SCO1 are known to be pathogenic (PMID: 11013136, 23878101). This variant is present in population databases (rs745552237, gnomAD 0.02%). This premature translational stop signal has been observed in individual(s) with cytochrome c oxidase deficiency and/or SCO1-related conditions (PMID: 11013136). It has also been observed to segregate with disease in related individuals. This variant is also known as c.364_364+1del, △GA; nt 363–364. Algorithms developed to predict the effect of sequence changes on RNA splicing suggest that this variant may disrupt the consensus splice site. For these reasons, this variant has been classified as Pathogenic.

Blueprint Genetics
Classification: Likely pathogenic for SCO1-related disorders. Last evaluated: 2024-06-27. Review status: criteria provided, single submitter. Criteria: ACMG Guidelines, 2015. Collection method: clinical testing. Allele origin: germline. Affected: yes. Observed: 4 variant alleles.

Fulgent Genetics
Classification: Pathogenic for Mitochondrial complex IV deficiency, nuclear type 4. Last evaluated: 2024-06-18. Review status: criteria provided, single submitter. Criteria: ACMG Guidelines, 2015. Collection method: clinical testing. Allele origin: germline.

Eurofins Ntd Llc (ga)
Classification: Pathogenic. Last evaluated: 2016-08-26. Review status: criteria provided, single submitter. Criteria: EGL Classification Definitions 2015. Collection method: clinical testing. Allele origin: germline. Observed: 1 variant allele, 1 heterozygote.

OMIM
Classification: Pathogenic for MITOCHONDRIAL COMPLEX IV DEFICIENCY, NUCLEAR TYPE 4. Last evaluated: 2000-11-01. Review status: no assertion criteria provided. Collection method: literature only. Allele origin: germline. Not counted in ClinVar's aggregate classification.

Literature cited by the submitters: PubMed 11013136 (cited by Labcorp Genetics (formerly Invitae), Labcorp and OMIM); PubMed 23878101 (cited by Labcorp Genetics (formerly Invitae), Labcorp).

NM_004589.4(SCO1):c.364_364+1del

Gene: SCO1 (synthesis of cytochrome C oxidase 1; minus strand). Cytogenetic location: 17p13.1.
Variant type: Microsatellite.
Coding change: c.364_364+1del on transcript NM_004589.4 (MANE Select); coding-DNA position 364 through the canonical splice donor site of the intron after coding-DNA position 364, 2 bases deleted (AG; older notation c.364_364+1delAG).
Molecular consequence: splice donor variant.
Genome position (GRCh38, 1-based): chr17:10,695,740-10,695,741, CT deleted on the plus strand (AG on the coding strand, the reverse complement: SCO1 is on the minus strand); deleting any 2 consecutive bases within chr17:10,695,740-10,695,745 gives the same sequence; the c. name uses the placement nearest the transcript's 3' end. VCF-style (leftmost placement, unchanged base first): chr17-10695739-ACT-A. GRCh37 (hg19) VCF-style: chr17-10599056-ACT-A.
Identifiers: ClinVar variation 6177 (VCV000006177.21), dbSNP rs587776629, ClinGen allele CA118050.